The following is an entry in ClinVar:

NM_002907.4(RECQL):c.122T>C (p.Val41Ala)

Gene: RECQL (RecQ like helicase; minus strand). Cytogenetic location: 12p12.1.
Variant type: single nucleotide variant.
Coding change: c.122T>C on transcript NM_002907.4 (MANE Select); coding-DNA position 122, T replaced by C.
Protein change: p.Val41Ala; replaces valine 41 with alanine.
Molecular consequence: missense variant.
Genome position (GRCh38, 1-based): chr12:21,491,611, A>G on the plus strand (T>C on the coding strand, the complement: RECQL is on the minus strand). VCF-style: chr12-21491611-A-G. GRCh37 (hg19) VCF-style: chr12-21644545-A-G.
Other names: c.122T>C, p.Val41Ala (NM_032941.3); short protein forms V41A.
Identifiers: ClinVar variation 2819714 (VCV002819714.3), dbSNP rs2136755636, ClinGen allele CA384134512.

ClinVar aggregate classification (germline): Uncertain significance (1 of 4 stars; one submission).

Submission:

Labcorp Genetics (formerly Invitae), Labcorp
Classification: Uncertain significance. Last evaluated: 2024-04-22. Review status: criteria provided, single submitter. Criteria: Invitae Variant Classification Sherloc (09022015). Collection method: clinical testing. Allele origin: germline.
Comment: This sequence change replaces valine, which is neutral and non-polar, with alanine, which is neutral and non-polar, at codon 41 of the RECQL protein (p.Val41Ala). This variant is not present in population databases (gnomAD no frequency). This variant has not been reported in the literature in individuals affected with RECQL-related conditions. Algorithms developed to predict the effect of missense changes on protein structure and function output the following: SIFT: "Not Available"; PolyPhen-2: "Benign"; Align-GVGD: "Not Available". The alanine amino acid residue is found in multiple mammalian species, which suggests that this missense change does not adversely affect protein function. In summary, the available evidence is currently insufficient to determine the role of this variant in disease. Therefore, it has been classified as a Variant of Uncertain Significance.